The following is an entry in ClinVar:

ClinVar aggregate classification (germline): Uncertain significance. Review status: criteria provided, multiple submitters, no conflicts (2 of 4 stars). 3 submissions from 3 submitters: Uncertain significance (3). Last evaluated 2025-04-10.

Conditions:
Cardiovascular phenotype. Identifiers: MedGen CN230736.
Long QT syndrome 6 (LQT6). Identifiers: Orphanet 101016, Orphanet 768, MedGen C3150953, MONDO:0013370, OMIM 613693.
Atrial fibrillation, familial, 4 (ATFB4). Identifiers: MedGen C1862394, MONDO:0012677, OMIM 611493.

Allele frequency attached by ClinVar (database versions not stated): gnomAD exomes below 0.00001 and 0.00001; gnomAD 0.00001; TOPMed 0.00001.
gnomAD v4.1: 6 of 1,614,078 alleles (0.00037%); highest among the groups gnomAD compares: South Asian, 0.0022%; no homozygotes.

Submissions (3):

Ambry Genetics
Classification: Uncertain significance for Cardiovascular phenotype. Last evaluated: 2025-04-10. Review status: criteria provided, single submitter. Criteria: Ambry Variant Classification Scheme 2023. Collection method: clinical testing. Allele origin: germline.
Comment: The p.N81S variant (also known as c.242A>G), located in coding exon 1 of the KCNE2 gene, results from an A to G substitution at nucleotide position 242. The asparagine at codon 81 is replaced by serine, an amino acid with highly similar properties. This amino acid position is conserved. In addition, this alteration is predicted to be tolerated by in silico analysis. Since supporting evidence is limited at this time, the clinical significance of this alteration remains unclear.

Fulgent Genetics
Classification: Uncertain significance for Atrial fibrillation, familial, 4; Long QT syndrome 6. Last evaluated: 2021-09-07. Review status: criteria provided, single submitter. Criteria: ACMG Guidelines, 2015. Collection method: clinical testing. Allele origin: unknown.

Labcorp Genetics (formerly Invitae), Labcorp
Classification: Uncertain significance for Long QT syndrome 6. Last evaluated: 2021-09-01. Review status: criteria provided, single submitter. Criteria: Invitae Variant Classification Sherloc (09022015). Collection method: clinical testing. Allele origin: germline.
Comment: This sequence change replaces asparagine with serine at codon 81 of the KCNE2 protein (p.Asn81Ser). The asparagine residue is moderately conserved and there is a small physicochemical difference between asparagine and serine. This variant is not present in population databases (ExAC no frequency). This variant has not been reported in the literature in individuals affected with KCNE2-related conditions. Algorithms developed to predict the effect of missense changes on protein structure and function (SIFT, PolyPhen-2, Align-GVGD) all suggest that this variant is likely to be tolerated. In summary, the available evidence is currently insufficient to determine the role of this variant in disease. Therefore, it has been classified as a Variant of Uncertain Significance.

NM_172201.2(KCNE2):c.242A>G (p.Asn81Ser)

Genes: KCNE2 (potassium voltage-gated channel subfamily E regulatory subunit 2; plus strand), LOC105372791 (uncharacterized LOC105372791; minus strand). Cytogenetic location: 21q22.11.
Variant type: single nucleotide variant.
Coding change: c.242A>G on transcript NM_172201.2 (MANE Select); coding-DNA position 242, A replaced by G.
Protein change: p.Asn81Ser; replaces asparagine 81 with serine.
Molecular consequence: missense variant.
Genome position (GRCh38, 1-based): chr21:34,370,720, A>G. VCF-style: chr21-34370720-A-G. GRCh37 (hg19) VCF-style: chr21-35743019-A-G.
Other names: short protein forms N81S.
Identifiers: ClinVar variation 956020 (VCV000956020.11), dbSNP rs1434304789, ClinGen allele CA410196790.